The following is an entry in ClinVar:

NM_000091.5(COL4A3):c.2021G>T (p.Gly674Val)

Genes: COL4A3 (collagen type IV alpha 3 chain; plus strand), MFF-DT (MFF divergent transcript; minus strand). Cytogenetic location: 2q36.3.
Variant type: single nucleotide variant.
Coding change: c.2021G>T on transcript NM_000091.5 (MANE Select); coding-DNA position 2021, G replaced by T.
Protein change: p.Gly674Val; replaces glycine 674 with valine.
Molecular consequence: missense variant.
Genome position (GRCh38, 1-based): chr2:227,277,449, G>T. VCF-style: chr2-227277449-G-T. GRCh37 (hg19) VCF-style: chr2-228142165-G-T.
Other names: short protein forms G674V.
Identifiers: ClinVar variation 988107 (VCV000988107.1), dbSNP rs1574767962, ClinGen allele CA350846618.

ClinVar aggregate classification (germline): Likely pathogenic (0 of 4 stars; one submission).

Conditions:
Hematuria. Identifiers: MedGen C0018965, HP:0000790.

Submission:

Sydney Genome Diagnostics, Children's Hospital Westmead
Classification: Likely pathogenic for Hematuria. Last evaluated: 2018-06-07. Review status: no assertion criteria provided. Collection method: clinical testing. Allele origin: unknown. Affected: yes. Observed: 1 variant allele, 1 heterozygote.
Comment: The variant has not been reported in any population databases (i.e. gnomAD, ExAC, ESP or dbSNP). To our knowledge, this variant has not been previously reported in the literature but has been listed on COL4A3 Leiden Open Variantion Database. This variant results in the substitution of one of the invariant glycine residues within the triple helical domain of the alpha 3 of type 4 collagen. In silico analysis of pathogenicity (through Alamut Visual v2.8.1) using PolyPhen2, SIFT and MutationTaster suggest that this variant is likely to be pathogenic. This variant is considered to be likely pathogenic according to the ACMG guidelines.